The following is an entry in ClinVar:

NM_000059.4(BRCA2):c.283G>A (p.Val95Ile)

Gene: BRCA2 (BRCA2 DNA repair associated; plus strand). Cytogenetic location: 13q13.1.
Variant type: single nucleotide variant.
Coding change: c.283G>A on transcript NM_000059.4 (MANE Select); coding-DNA position 283, G replaced by A.
Protein change: p.Val95Ile; replaces valine 95 with isoleucine.
Molecular consequence: missense variant.
Genome position (GRCh38, 1-based): chr13:32,319,292, G>A. VCF-style: chr13-32319292-G-A. GRCh37 (hg19) VCF-style: chr13-32893429-G-A.
Other names: short protein forms V95I.
Identifiers: ClinVar variation 583304 (VCV000583304.11), dbSNP rs1566216059, ClinGen allele CA387754609.

ClinVar aggregate classification (germline): Conflicting classifications of pathogenicity. Review status: criteria provided, conflicting classifications (1 of 4 stars). 2 submissions from 2 submitters: Uncertain significance (1); Likely benign (1). Last evaluated 2024-01-03.

Conditions:
Hereditary breast ovarian cancer syndrome. Also called: Hereditary breast and ovarian cancer syndrome; Hereditary breast and/or ovarian cancer syndrome; Hereditary breast and ovarian cancer syndrome (HBOC); Breast and ovarian cancer; BRCA1- and BRCA2-Associated Hereditary Breast and Ovarian Cancer; Hereditary breast and ovarian cancer. Identifiers: Orphanet 145, MedGen C0677776, MeSH D061325, MONDO:0003582. Disease mechanism: loss of function.
Hereditary cancer-predisposing syndrome. Also called: Neoplastic Syndromes, Hereditary; Hereditary Cancer Syndrome; Tumor predisposition; Hereditary neoplastic syndrome. Identifiers: Orphanet 140162, MedGen C0027672, MeSH D009386, MONDO:0015356.

Submissions (2):

Ambry Genetics
Classification: Likely benign for Hereditary cancer-predisposing syndrome. Last evaluated: 2024-01-03. Review status: criteria provided, single submitter. Criteria: Ambry Variant Classification Scheme 2023. Collection method: clinical testing. Allele origin: germline.

Labcorp Genetics (formerly Invitae), Labcorp
Classification: Uncertain significance for Hereditary breast ovarian cancer syndrome. Last evaluated: 2022-09-15. Review status: criteria provided, single submitter. Criteria: Invitae Variant Classification Sherloc (09022015). Collection method: clinical testing. Allele origin: germline.
Comment: ClinVar contains an entry for this variant (Variation ID: 583304). In summary, the available evidence is currently insufficient to determine the role of this variant in disease. Therefore, it has been classified as a Variant of Uncertain Significance. Advanced modeling of protein sequence and biophysical properties (such as structural, functional, and spatial information, amino acid conservation, physicochemical variation, residue mobility, and thermodynamic stability) performed at Invitae indicates that this missense variant is not expected to disrupt BRCA2 protein function. This variant has not been reported in the literature in individuals affected with BRCA2-related conditions. This variant is not present in population databases (gnomAD no frequency). This sequence change replaces valine, which is neutral and non-polar, with isoleucine, which is neutral and non-polar, at codon 95 of the BRCA2 protein (p.Val95Ile).